The following is an entry in ClinVar:

NM_001379270.1(CNGA1):c.1635del (p.Asn547fs)

Genes: CNGA1 (cyclic nucleotide gated channel subunit alpha 1; minus strand), LOC101927157 (uncharacterized LOC101927157; plus strand). Cytogenetic location: 4p12.
Variant type: Deletion.
Coding change: c.1635del on transcript NM_001379270.1 (MANE Select); coding-DNA position 1635, one base deleted (T; older notation c.1635delT).
Protein change: p.Asn547fs; shifts the reading frame from asparagine 547.
Molecular consequence: frameshift variant.
Genome position (GRCh38, 1-based): chr4:47,936,847, A deleted on the plus strand (T on the coding strand, the reverse complement: CNGA1 is on the minus strand); the first of 2 consecutive A bases (chr4:47,936,847-47,936,848); deleting either gives the same sequence. VCF-style (leftmost placement, unchanged base first): chr4-47936846-GA-G. GRCh37 (hg19) VCF-style: chr4-47938863-GA-G.
Other names: c.1635del, p.Asn547fs (NM_000087.5, NM_001142564.2); short protein forms N547fs.
Identifiers: ClinVar variation 2118786 (VCV002118786.4), dbSNP rs1304811464, ClinGen allele CA551650445.
Genomic context (GRCh38, chr4:47,936,846, plus strand): 5'-AGCCAATACTTTTAATATTGGCCGTTCTTCGATTGCCAGCTTTGCTCCCTTTAATGTTAA[GA>G]ATGCTGATCTCACCGAAGTAGCTGCCATCGCTCAATACCACAAACTGAGTGACTCCATCA-3'

ClinVar aggregate classification (germline): Pathogenic (1 of 4 stars; one submission).

Submission:

Labcorp Genetics (formerly Invitae), Labcorp
Classification: Pathogenic. Last evaluated: 2022-10-21. Review status: criteria provided, single submitter. Criteria: Invitae Variant Classification Sherloc (09022015). Collection method: clinical testing. Allele origin: germline.
Comment: This sequence change creates a premature translational stop signal (p.Asn551Thrfs*35) in the CNGA1 gene. While this is not anticipated to result in nonsense mediated decay, it is expected to disrupt the last 140 amino acid(s) of the CNGA1 protein. This variant is present in population databases (no rsID available, gnomAD 0.0009%). This variant has not been reported in the literature in individuals affected with CNGA1-related conditions. Experimental studies and prediction algorithms are not available or were not evaluated, and the functional significance of this variant is currently unknown. This variant disrupts a region of the CNGA1 protein in which other variant(s) (p.Arg658Aspfs*2) have been determined to be pathogenic (PMID: 7479749, 24265693; Invitae). This suggests that this is a clinically significant region of the protein, and that variants that disrupt it are likely to be disease-causing. For these reasons, this variant has been classified as Pathogenic.

Literature cited by the submitters: PubMed 7479749; PubMed 24265693.